The following is an entry in ClinVar:

ClinVar aggregate classification (germline): Uncertain significance (1 of 4 stars; one submission).

Conditions:
Cardiomyopathy (CMYO). Also called: Cardiomyopathies. Identifiers: Orphanet 167848, MedGen C0878544, MONDO:0004994, HP:0001638. Inheritance: Various modes of inheritance.

Submission:

Color Diagnostics, LLC DBA Color Health
Classification: Uncertain significance for Cardiomyopathy. Last evaluated: 2024-03-07. Review status: criteria provided, single submitter. Criteria: ACMG Guidelines, 2015. Collection method: clinical testing. Allele origin: germline.
Comment: This missense variant replaces glutamic acid with lysine at codon 170 of the DSG2 protein. Computational prediction suggests that this variant may have deleterious impact on protein structure and function (internally defined REVEL score threshold >= 0.7, PMID: 27666373). To our knowledge, functional studies have not been reported for this variant. This variant has not been reported in individuals affected with cardiovascular disorders in the literature. This variant has not been identified in the general population by the Genome Aggregation Database (gnomAD). The available evidence is insufficient to determine the role of this variant in disease conclusively. Therefore, this variant is classified as a Variant of Uncertain Significance.

NM_001943.5(DSG2):c.508G>A (p.Glu170Lys)

Gene: DSG2 (desmoglein 2; plus strand). Cytogenetic location: 18q12.1.
Variant type: single nucleotide variant.
Coding change: c.508G>A on transcript NM_001943.5 (MANE Select); coding-DNA position 508, G replaced by A.
Protein change: p.Glu170Lys; replaces glutamic acid 170 with lysine.
Molecular consequence: missense variant.
Genome position (GRCh38, 1-based): chr18:31,521,228, G>A. VCF-style: chr18-31521228-G-A. GRCh37 (hg19) VCF-style: chr18-29101191-G-A.
Other names: short protein forms E170K.
Identifiers: ClinVar variation 1332494 (VCV001332494.3), dbSNP rs2144316415, ClinGen allele CA402132477.